The following is an entry in ClinVar:

NM_014049.5(ACAD9):c.633+199G>A

Gene: ACAD9 (acyl-CoA dehydrogenase family member 9; plus strand). Cytogenetic location: 3q21.3.
Variant type: single nucleotide variant.
Coding change: c.633+199G>A on transcript NM_014049.5 (MANE Select); 199 bases into the intron after coding-DNA position 633, G replaced by A.
Molecular consequence: intron variant.
Genome position (GRCh38, 1-based): chr3:128,897,909, G>A. VCF-style: chr3-128897909-G-A. GRCh37 (hg19) VCF-style: chr3-128616752-G-A.
Identifiers: ClinVar variation 680073 (VCV000680073.1), dbSNP rs34638819, ClinGen allele CA11557726.

ClinVar aggregate classification (germline): Benign (1 of 4 stars; one submission).

Allele frequency attached by ClinVar (database versions not stated): 1000 Genomes Project 30x 0.11290; 1000 Genomes Project 0.11322; TOPMed 0.12807; gnomAD 0.13007 and 0.13015.
gnomAD v4.1: 19,802 of 152,130 alleles (13%); highest among the groups gnomAD compares: Middle Eastern, 16%; 1,337 homozygotes.

Submission:

GeneDx
Classification: Benign. Last evaluated: 2018-06-14. Review status: criteria provided, single submitter. Criteria: GeneDx Variant Classification (06012015). Collection method: clinical testing. Allele origin: germline. Affected: yes.
Comment: This variant is considered likely benign or benign based on one or more of the following criteria: it is a conservative change, it occurs at a poorly conserved position in the protein, it is predicted to be benign by multiple in silico algorithms, and/or has population frequency not consistent with disease.